The following is an entry in ClinVar:

NM_002700.3(POU4F3):c.112G>C (p.Ala38Pro)

Genes: POU4F3 (POU class 4 homeobox 3; plus strand), LOC127814297 (RBM27-POU4F3; plus strand). Cytogenetic location: 5q32.
Variant type: single nucleotide variant.
Coding change: c.112G>C on transcript NM_002700.3 (MANE Select); coding-DNA position 112, G replaced by C.
Protein change: p.Ala38Pro; replaces alanine 38 with proline.
Molecular consequence: missense variant.
Genome position (GRCh38, 1-based): chr5:146,339,224, G>C. VCF-style: chr5-146339224-G-C. GRCh37 (hg19) VCF-style: chr5-145718787-G-C.
Other names: c.2945G>C, p.Ser982Thr (NM_001414499.1); short protein forms A38P, S982T.
Identifiers: ClinVar variation 3373742 (VCV003373742.1).
Genomic context (GRCh38, chr5:146,339,224, plus strand): 5'-GAACCCAAATTCTCCAGTCTGCACTCTGGCTCCGAGGCCATGCGCCGAGTCTGTCTCCCA[G>C]CCCCGCAGGTACGTAGTGGAGCATAATTACCGCTCTAAGGCACATTTTTTGACAGGCACT-3'
Protein context (NP_002691.1, residues 28-48): SEAMRRVCLP[Ala38Pro]PQLQGNIFGS

ClinVar aggregate classification (germline): Uncertain significance (1 of 4 stars; one submission).

Submission:

GeneDx
Classification: Uncertain significance. Last evaluated: 2024-03-10. Review status: criteria provided, single submitter. Criteria: GeneDx Variant Classification Process June 2021. Collection method: clinical testing. Allele origin: germline. Affected: yes.
Comment: Not observed at significant frequency in large population cohorts (gnomAD); In silico analysis supports that this missense variant does not alter protein structure/function; Has not been previously published as pathogenic or benign to our knowledge